The following is an entry in ClinVar:

NM_003865.3(HESX1):c.479G>A (p.Arg160His)

Gene: HESX1 (HESX homeobox 1; minus strand). Cytogenetic location: 3p14.3.
Variant type: single nucleotide variant.
Coding change: c.479G>A on transcript NM_003865.3 (MANE Select); coding-DNA position 479, G replaced by A.
Protein change: p.Arg160His; replaces arginine 160 with histidine.
Molecular consequence: missense variant. On other transcripts: non-coding transcript variant (1).
Genome position (GRCh38, 1-based): chr3:57,198,276, C>T on the plus strand (G>A on the coding strand, the complement: HESX1 is on the minus strand). VCF-style: chr3-57198276-C-T. GRCh37 (hg19) VCF-style: chr3-57232304-C-T.
Other names: c.479G>A, p.Arg160His (NM_001376058.1, NM_001376059.1, NM_001376060.1 and 1 more transcripts); short protein forms R160H.
Identifiers: ClinVar variation 985575 (VCV000985575.9), dbSNP rs766234350, ClinGen allele CA2463233.
Genomic context (GRCh38, chr3:57,198,276, plus strand): 5'-TTGAAATTTTTTTTCGCCATTAGAAACTGTGATTCTCTATGGGACCTTTTCAGTTTTGCA[C>T]GCCGATTTTGAAACCAAATCTAAAGTTAAGGAAAAATAAAATAGGTCTCAGAAACATTAT-3'
Protein context (NP_003856.1, residues 150-170): DRIQIWFQNR[Arg160His]AKLKRSHRES

ClinVar aggregate classification (germline): Conflicting classifications of pathogenicity. Review status: criteria provided, conflicting classifications (1 of 4 stars). 4 submissions from 4 submitters: Pathogenic (2); Likely pathogenic (1); Uncertain significance (1). Last evaluated 2025-12-15.

Conditions:
HESX1-Related Disorders.
Inborn genetic diseases. Identifiers: MedGen C0950123, MeSH D030342.
GROWTH HORMONE DEFICIENCY WITH PITUITARY ANOMALIES. Identifiers: MedGen C2750027, OMIM 182230.
Septo-optic dysplasia sequence (SOD). Also called: Septo-optic dysplasia; DE MORSIER SYNDROME. Identifiers: Orphanet 3157, MedGen C0338503, MONDO:0008428, OMIM 182230, HP:0100842.

Allele frequency attached by ClinVar (database versions not stated): ExAC below 0.00001; gnomAD exomes 0.00001 and 0.00003; TOPMed 0.00002; gnomAD 0.00003.

Submissions (4):

Women's Health and Genetics/Laboratory Corporation of America, LabCorp
Classification: Likely pathogenic for HESX1-Related Disorders. Last evaluated: 2025-12-15. Review status: criteria provided, single submitter. Criteria: LabCorp Variant Classification Summary - May 2015. Collection method: clinical testing. Allele origin: germline.
Comment: Variant summary: HESX1 c.479G>A (p.Arg160His) results in a non-conservative amino acid change in the encoded protein sequence. Algorithms developed to predict the effect of missense changes on protein structure and function all suggest that this variant is likely to be disruptive. The variant allele was found at a frequency of 8e-06 in 250942 control chromosomes (gnomAD). c.479G>A has been observed in compound heterozygous and homozygous individuals affected with clinical features of autosomal recessive HESX1-Related Disorders (Durmaz_2011, Bas_2014, Fang_2016, Blum_2018). These data indicate that the variant is likely to be associated with disease. At least one publication reports experimental evidence evaluating an impact on protein function, however, does not allow convincing conclusions about the variant effect (Fang_2016). The following publications have been ascertained in the context of this evaluation (PMID: 30266296, 22145475, 27000987). ClinVar contains an entry for this variant (Variation ID: 985575). To our knowledge, this variant has not been reported in individuals with autosomal dominant HESX1-Related Disorders. Based on the evidence outlined above, the variant was classified as likely pathogenic for autosomal recessive HESX1-Related Disorders.

Labcorp Genetics (formerly Invitae), Labcorp
Classification: Uncertain significance for GROWTH HORMONE DEFICIENCY WITH PITUITARY ANOMALIES; Septo-optic dysplasia sequence. Last evaluated: 2025-01-01. Review status: criteria provided, single submitter. Criteria: Invitae Variant Classification Sherloc (09022015). Collection method: clinical testing. Allele origin: germline.
Comment: This sequence change replaces arginine, which is basic and polar, with histidine, which is basic and polar, at codon 160 of the HESX1 protein (p.Arg160His). This variant is present in population databases (rs766234350, gnomAD 0.005%). This missense change has been observed in individual(s) with clinical features of septo-optic dysplasia (PMID: 22145475, 25500790, 27000987, 30266296). ClinVar contains an entry for this variant (Variation ID: 985575). An algorithm developed to predict the effect of missense changes on protein structure and function (PolyPhen-2) suggests that this variant is likely to be disruptive. Experimental studies have shown that this missense change affects HESX1 function (PMID: 27000987). This variant disrupts the p.Arg160 amino acid residue in HESX1. Other variant(s) that disrupt this residue have been determined to be pathogenic (PMID: 9620767, 19093031). This suggests that this residue is clinically significant, and that variants that disrupt this residue are likely to be disease-causing. In summary, the available evidence is currently insufficient to determine the role of this variant in disease. Therefore, it has been classified as a Variant of Uncertain Significance.

GeneDx
Classification: Pathogenic. Last evaluated: 2022-10-07. Review status: criteria provided, single submitter. Criteria: GeneDx Variant Classification Process June 2021. Collection method: clinical testing. Allele origin: germline. Affected: yes.
Comment: Seen in the heterozygous state in a patient with panhypopituitarism and inherited from an unaffected father; patient did not have an identifiable second variant in HESX1 but also had a variant in the PROP1 gene (Blum et al., 2018); Published functional studies demonstrate that R160H significantly impaired the role of HESX1 as a transcriptional repressor (Fang et al., 2016); This variant is associated with the following publications: (PMID: 25500790, 30487145, 22145475, 27000987, 30266296, 32621723)

Ambry Genetics
Classification: Pathogenic for Inborn genetic diseases. Last evaluated: 2018-05-23. Review status: criteria provided, single submitter. Criteria: Ambry exome assertion method (8-5-2015). Collection method: clinical testing. Allele origin: germline. Affected: yes. Observed: 1 variant allele.

Literature cited by the submitters: PubMed 30487145 (cited by Women's Health and Genetics/Laboratory Corporation of America, LabCorp); PubMed 30266296 (cited by Women's Health and Genetics/Laboratory Corporation of America, LabCorp and Labcorp Genetics (formerly Invitae), Labcorp); PubMed 27000987 (cited by Women's Health and Genetics/Laboratory Corporation of America, LabCorp and Labcorp Genetics (formerly Invitae), Labcorp); PubMed 26873401 (cited by Women's Health and Genetics/Laboratory Corporation of America, LabCorp); PubMed 27828722 (cited by Women's Health and Genetics/Laboratory Corporation of America, LabCorp); PubMed 23465708 (cited by Women's Health and Genetics/Laboratory Corporation of America, LabCorp); PubMed 25500790 (cited by Women's Health and Genetics/Laboratory Corporation of America, LabCorp and Labcorp Genetics (formerly Invitae), Labcorp); PubMed 22145475 (cited by 3 submitters); PubMed 9620767 (cited by Labcorp Genetics (formerly Invitae), Labcorp); PubMed 19093031 (cited by Labcorp Genetics (formerly Invitae), Labcorp).